The following is an entry in ClinVar:

NM_000540.3(RYR1):c.13928C>T (p.Ala4643Val)

Gene: RYR1 (ryanodine receptor 1; plus strand). Cytogenetic location: 19q13.2.
Variant type: single nucleotide variant.
Coding change: c.13928C>T on transcript NM_000540.3 (MANE Select); coding-DNA position 13928, C replaced by T.
Protein change: p.Ala4643Val; replaces alanine 4643 with valine.
Molecular consequence: missense variant.
Genome position (GRCh38, 1-based): chr19:38,572,200, C>T. VCF-style: chr19-38572200-C-T. GRCh37 (hg19) VCF-style: chr19-39062840-C-T.
Other names: c.13913C>T, p.Ala4638Val (NM_001042723.2); short protein forms A4638V, A4643V.
Identifiers: ClinVar variation 3070851 (VCV003070851.1), dbSNP rs2514713204, ClinGen allele CA405681172.

ClinVar aggregate classification (germline): Uncertain significance (1 of 4 stars; one submission).

Conditions:
Malignant hyperthermia, susceptibility to, 1 (MHS1). Also called: Anesthesia related hyperthermia; Malignant hyperpyrexia; Fulminating hyperpyrexia; Pharmacogenic myopathy; RYR1-Related Malignant Hyperthermia Susceptibility; Malignant hyperthermia suceptibility 1. Identifiers: Orphanet 423, MedGen C2930980, MONDO:0007783, OMIM 145600.

Submission:

All of Us Research Program, National Institutes of Health
Classification: Uncertain significance for Malignant hyperthermia, susceptibility to, 1. Last evaluated: 2023-05-04. Review status: criteria provided, single submitter. Criteria: ACMG Guidelines, 2015. Collection method: clinical testing. Allele origin: germline. Inheritance: Autosomal dominant inheritance. Observed: 1 variant allele, 1 heterozygote.
Comment: This missense variant replaces alanine with valine at codon 4643 of the RYR1 protein. Computational prediction is inconclusive regarding the impact of this variant on protein structure and function (internally defined REVEL score threshold 0.5 < inconclusive < 0.7, PMID: 27666373). To our knowledge, functional studies have not been reported for this variant. This variant has not been reported in individuals affected with RYR1-related disorders in the literature. This variant has not been identified in the general population by the Genome Aggregation Database (gnomAD). The available evidence is insufficient to determine the role of this variant in disease conclusively. Therefore, this variant is classified as a Variant of Uncertain Significance.

This study involves interpretation of variants in research participants for the purpose of population health screening. Participant phenotype was not available at the time of variant classification. Additional details can be found in publication PMID: 35346344, PMCID: PMC8962531